The following is an entry in ClinVar:

ClinVar aggregate classification (germline): Likely pathogenic. Review status: criteria provided, multiple submitters, no conflicts (2 of 4 stars). 2 submissions from 2 submitters: Likely pathogenic (2). Last evaluated 2025-04-06.

Conditions:
Cardiovascular phenotype. Identifiers: MedGen CN230736.
Autosomal recessive limb-girdle muscular dystrophy type 2J (LGMDR10). Also called: Limb-girdle muscular dystrophy, type 2J; MUSCULAR DYSTROPHY, LIMB-GIRDLE, AUTOSOMAL RECESSIVE 10. Identifiers: Orphanet 140922, MedGen C1837342, MONDO:0012127, OMIM 608807.
Dilated cardiomyopathy 1G (CMD1G). Identifiers: Orphanet 154, MedGen C1858763, MONDO:0011400, OMIM 604145.

Submissions (2):

Labcorp Genetics (formerly Invitae), Labcorp
Classification: Likely pathogenic for Dilated cardiomyopathy 1G; Autosomal recessive limb-girdle muscular dystrophy type 2J. Last evaluated: 2025-04-06. Review status: criteria provided, single submitter. Criteria: Invitae Variant Classification Sherloc (09022015). Collection method: clinical testing. Allele origin: germline.
Comment: This sequence change creates a premature translational stop signal (p.Asp29996Argfs*17) in the TTN gene. While this is not anticipated to result in nonsense mediated decay, it is expected to create a truncated TTN protein. This variant is not present in population databases (gnomAD no frequency). This variant has not been reported in the literature in individuals affected with TTN-related conditions. ClinVar contains an entry for this variant (Variation ID: 3223325). This variant is located in the A band of TTN (PMID: 25589632). Truncating variants in this region are significantly overrepresented in patients affected with dilated cardiomyopathy (PMID: 25589632). Truncating variants in this region have also been reported in individuals affected with autosomal recessive centronuclear myopathy (PMID: 23975875). In summary, the currently available evidence indicates that the variant is pathogenic, but additional data are needed to prove that conclusively. Therefore, this variant has been classified as Likely Pathogenic.

Ambry Genetics
Classification: Likely pathogenic for Cardiovascular phenotype. Last evaluated: 2023-12-21. Review status: criteria provided, single submitter. Criteria: Ambry Variant Classification Scheme 2023. Collection method: clinical testing. Allele origin: germline.
Comment: The c.62790dupA variant, located in coding exon 162 of the TTN gene, results from a duplication of A at nucleotide position 62790, causing a translational frameshift with a predicted alternate stop codon (p.D20931Rfs*17). This exon is located in the A-band region of the N2-B isoform of the titin protein and is constitutively expressed in TTN transcripts (percent spliced in or PSI 100%). This alteration is expected to result in loss of function by premature protein truncation or nonsense-mediated mRNA decay. While truncating variants in TTN are present in 1-3% of the general population, truncating variants in the A-band are the most common cause of dilated cardiomyopathy (DCM) (Herman DS et al. N. Engl. J. Med., 2012 Feb;366:619-28; Roberts AM et al. Sci Transl Med, 2015 Jan;7:270ra6). TTN truncating variants encoded in constitutive exons (PSI >90%) have been found to be significantly associated with DCM regardless of their position in titin (Schafer S et al. Nat. Genet., 2017 01;49:46-53). This variant is considered to be rare based on population cohorts in the Genome Aggregation Database (gnomAD). Based on the majority of available evidence to date, this variant is likely to be pathogenic.

Literature cited by the submitters: PubMed 25589632 (cited by Labcorp Genetics (formerly Invitae), Labcorp); PubMed 23975875 (cited by Labcorp Genetics (formerly Invitae), Labcorp).

NM_001267550.2(TTN):c.89985dup (p.Asp29996fs)

Genes: TTN (titin; minus strand), TTN-AS1 (TTN antisense RNA 1; plus strand). Cytogenetic location: 2q31.2.
Variant type: Duplication.
Coding change: c.89985dup on transcript NM_001267550.2 (MANE Select); coding-DNA position 89985, one base duplicated (A; older notation c.89985dupA).
Protein change: p.Asp29996fs; shifts the reading frame from aspartic acid 29996.
Molecular consequence: frameshift variant.
Genome position (GRCh38, 1-based): chr2:178,552,915, T duplicated on the plus strand (A on the coding strand, the reverse complement: TTN is on the minus strand). VCF-style (leftmost placement, unchanged base first): chr2-178552914-C-CT. GRCh37 (hg19) VCF-style: chr2-179417641-C-CT.
Other names: c.85062dup, p.Asp28355fs (NM_001256850.1); c.62790dup, p.Asp20931fs (NM_003319.4); c.82281dup, p.Asp27428fs (NM_133378.4); c.63165dup, p.Asp21056fs (NM_133432.3); c.63366dup, p.Asp21123fs (NM_133437.4); c.62790dupA (NM_003319.4); short protein forms D20931fs, D21056fs, D21123fs, D27428fs, D28355fs, D29996fs.
Identifiers: ClinVar variation 3223325 (VCV003223325.2), dbSNP rs2469307457, ClinGen allele CA2825001059.